The following is an entry in ClinVar:

ClinVar aggregate classification (germline): Uncertain significance (1 of 4 stars; one submission).

Submission:

GeneDx
Classification: Uncertain significance. Last evaluated: 2024-11-13. Review status: criteria provided, single submitter. Criteria: GeneDx Variant Classification Process June 2021. Collection method: clinical testing. Allele origin: germline. Affected: yes.
Comment: Not observed at significant frequency in large population cohorts (gnomAD); In silico analysis supports that this missense variant has a deleterious effect on protein structure/function; Has not been previously published as pathogenic or benign to our knowledge

NM_032119.4(ADGRV1):c.12032G>A (p.Gly4011Asp)

Gene: ADGRV1 (adhesion G protein-coupled receptor V1; plus strand). Cytogenetic location: 5q14.3.
Variant type: single nucleotide variant.
Coding change: c.12032G>A on transcript NM_032119.4 (MANE Select); coding-DNA position 12032, G replaced by A.
Protein change: p.Gly4011Asp; replaces glycine 4011 with aspartic acid.
Molecular consequence: missense variant. On other transcripts: non-coding transcript variant (1).
Genome position (GRCh38, 1-based): chr5:90,759,500, G>A. VCF-style: chr5-90759500-G-A. GRCh37 (hg19) VCF-style: chr5-90055317-G-A.
Other names: short protein forms G4011D.
Identifiers: ClinVar variation 3899620 (VCV003899620.1).